The following is an entry in ClinVar:

NM_001035.3(RYR2):c.2492A>G (p.Lys831Arg)

Gene: RYR2 (ryanodine receptor 2; plus strand). Cytogenetic location: 1q43.
Variant type: single nucleotide variant.
Coding change: c.2492A>G on transcript NM_001035.3 (MANE Select); coding-DNA position 2492, A replaced by G.
Protein change: p.Lys831Arg; replaces lysine 831 with arginine.
Molecular consequence: missense variant.
Genome position (GRCh38, 1-based): chr1:237,503,384, A>G. VCF-style: chr1-237503384-A-G. GRCh37 (hg19) VCF-style: chr1-237666684-A-G.
Other names: short protein forms K831R.
Identifiers: ClinVar variation 3385690 (VCV003385690.3).

ClinVar aggregate classification (germline): Uncertain significance. Review status: criteria provided, multiple submitters, no conflicts (2 of 4 stars). 2 submissions from 2 submitters: Uncertain significance (2). Last evaluated 2025-01-23.

Conditions:
Catecholaminergic polymorphic ventricular tachycardia (CVPT). Also called: Catecholamine-induced polymorphic ventricular tachycardia. Identifiers: Orphanet 3286, MedGen C5574922, MONDO:0017990.
Catecholaminergic polymorphic ventricular tachycardia 1. Also called: VENTRICULAR TACHYCARDIA, CATECHOLAMINERGIC POLYMORPHIC, 1, WITH OR WITHOUT ATRIAL DYSFUNCTION AND/OR DILATED CARDIOMYOPATHY; VENTRICULAR TACHYCARDIA, STRESS-INDUCED POLYMORPHIC 1; RYR2-Related Catecholaminergic Polymorphic Ventricular Tachycardia. Identifiers: Orphanet 3286, MedGen C1631597, MONDO:0011484, OMIM 604772.

gnomAD v4.1: 4 of 1,613,830 alleles (0.00025%); highest among the groups gnomAD compares: South Asian, 0.0044%; 1 homozygote.

Submissions (2):

Labcorp Genetics (formerly Invitae), Labcorp
Classification: Uncertain significance for Catecholaminergic polymorphic ventricular tachycardia 1. Last evaluated: 2025-01-23. Review status: criteria provided, single submitter. Criteria: Invitae Variant Classification Sherloc (09022015). Collection method: clinical testing. Allele origin: germline.
Comment: This sequence change replaces lysine, which is basic and polar, with arginine, which is basic and polar, at codon 831 of the RYR2 protein (p.Lys831Arg). This variant is not present in population databases (gnomAD no frequency). This variant has not been reported in the literature in individuals affected with RYR2-related conditions. Invitae Evidence Modeling of protein sequence and biophysical properties (such as structural, functional, and spatial information, amino acid conservation, physicochemical variation, residue mobility, and thermodynamic stability) indicates that this missense variant is not expected to disrupt RYR2 protein function with a negative predictive value of 95%. In summary, the available evidence is currently insufficient to determine the role of this variant in disease. Therefore, it has been classified as a Variant of Uncertain Significance.

All of Us Research Program, National Institutes of Health
Classification: Uncertain significance for Catecholaminergic polymorphic ventricular tachycardia. Last evaluated: 2024-08-06. Review status: criteria provided, single submitter. Criteria: ACMG Guidelines, 2015. Collection method: clinical testing. Allele origin: germline. Inheritance: Autosomal dominant inheritance. Observed: 1 variant allele, 1 heterozygote.
Comment: This study involves interpretation of variants in research participants for the purpose of population health screening. Participant phenotype was not available at the time of variant classification. Additional details can be found in publication PMID: 35346344, PMCID: PMC8962531